The following is an entry in ClinVar:

NM_003823.4(TNFRSF6B):c.637C>T (p.Arg213Cys)

Genes: RTEL1-TNFRSF6B (RTEL1-TNFRSF6B readthrough (NMD candidate); plus strand), TNFRSF6B (TNF receptor superfamily member 6b; plus strand). Cytogenetic location: 20q13.33.
Variant type: single nucleotide variant.
Coding change: c.637C>T on transcript NM_003823.4 (MANE Select); coding-DNA position 637, C replaced by T.
Protein change: p.Arg213Cys; replaces arginine 213 with cysteine.
Molecular consequence: missense variant. On other transcripts: non-coding transcript variant (1).
Genome position (GRCh38, 1-based): chr20:63,698,297, C>T. VCF-style: chr20-63698297-C-T. GRCh37 (hg19) VCF-style: chr20-62329650-C-T.
Other names: short protein forms R213C.
Identifiers: ClinVar variation 2197228 (VCV002197228.4), dbSNP rs754254086, ClinGen allele CA9966539.

ClinVar aggregate classification (germline): Uncertain significance (1 of 4 stars; one submission).

Allele frequency attached by ClinVar (database versions not stated): gnomAD exomes 0.00001; TOPMed 0.00001.

Submission:

Labcorp Genetics (formerly Invitae), Labcorp
Classification: Uncertain significance. Last evaluated: 2025-11-18. Review status: criteria provided, single submitter. Criteria: Invitae Variant Classification Sherloc (09022015). Collection method: clinical testing. Allele origin: germline.
Comment: This sequence change replaces arginine, which is basic and polar, with cysteine, which is neutral and slightly polar, at codon 213 of the TNFRSF6B protein (p.Arg213Cys). The frequency data for this variant in the population databases is considered unreliable, as metrics indicate poor data quality at this position in the gnomAD database. This variant has not been reported in the literature in individuals affected with TNFRSF6B-related conditions. ClinVar contains an entry for this variant (Variation ID: 2197228). An algorithm developed to predict the effect of missense changes on protein structure and function outputs the following: PolyPhen-2: "Possibly Damaging". The cysteine amino acid residue is found in multiple mammalian species, which suggests that this missense change does not adversely affect protein function. In summary, the available evidence is currently insufficient to determine the role of this variant in disease. Therefore, it has been classified as a Variant of Uncertain Significance.